The following is an entry in ClinVar:

ClinVar aggregate classification (germline): Benign/Likely benign. Review status: criteria provided, multiple submitters, no conflicts (2 of 4 stars). 3 submissions from 3 submitters: Benign (1); Likely benign (2). Last evaluated 2025-07-15.

Conditions:
Fanconi anemia complementation group J. Also called: BRIP1-Related Fanconi Anemia. Identifiers: Orphanet 84, MedGen C1836860, MONDO:0012187, OMIM 609054.
Familial cancer of breast. Also called: BREAST CANCER, FAMILIAL; Hereditary breast cancer; hereditary breast carcinoma. Identifiers: Orphanet 227535, MedGen C0346153, MONDO:0016419, OMIM 114480. Disease mechanism: loss of function.
Hereditary cancer-predisposing syndrome. Also called: Neoplastic Syndromes, Hereditary; Tumor predisposition; Hereditary neoplastic syndrome; Hereditary Cancer Syndrome. Identifiers: Orphanet 140162, MedGen C0027672, MeSH D009386, MONDO:0015356.

Submissions (3):

Labcorp Genetics (formerly Invitae), Labcorp
Classification: Likely benign for Familial cancer of breast; Fanconi anemia complementation group J. Last evaluated: 2025-07-15. Review status: criteria provided, single submitter. Criteria: Invitae Variant Classification Sherloc (09022015). Collection method: clinical testing. Allele origin: germline.

Myriad Genetics, Inc.
Classification: Benign for Familial cancer of breast. Last evaluated: 2024-08-22. Review status: criteria provided, single submitter. Criteria: Myriad Autosomal Dominant, Autosomal Recessive and X-Linked Classification Criteria (2023). Collection method: clinical testing. Allele origin: unknown.
Comment: This variant is considered benign. This variant is a silent/synonymous amino acid change and it is not expected to impact splicing.

Ambry Genetics
Classification: Likely benign for Hereditary cancer-predisposing syndrome. Last evaluated: 2021-10-06. Review status: criteria provided, single submitter. Criteria: Ambry Variant Classification Scheme 2023. Collection method: clinical testing. Allele origin: germline.

NM_032043.3(BRIP1):c.669A>G (p.Gln223=)

Gene: BRIP1 (BRCA1 interacting DNA helicase 1; minus strand). Cytogenetic location: 17q23.2.
Variant type: single nucleotide variant.
Coding change: c.669A>G on transcript NM_032043.3 (MANE Select); coding-DNA position 669, A replaced by G.
Protein change: p.Gln223=; no amino-acid change (glutamine 223 retained).
Molecular consequence: synonymous variant.
Genome position (GRCh38, 1-based): chr17:61,808,716, T>C on the plus strand (A>G on the coding strand, the complement: BRIP1 is on the minus strand). VCF-style: chr17-61808716-T-C. GRCh37 (hg19) VCF-style: chr17-59886077-T-C.
Identifiers: ClinVar variation 1754937 (VCV001754937.4), dbSNP rs2145421918, ClinGen allele CA501335728.
Genomic context (GRCh38, chr17:61,808,716, plus strand): 5'-TATCTTGGATTTCCCTGTATGATCCTTCTTAATGGTATTCGATGACTCTTGACTGTTTCC[T>C]TGTTTAGTAGAACAACAGCACCTAGAACAGTGGCCAGGGGGCTGTAAGAAAGGAAAGAAA-3'
Protein context (NP_114432.2, residues 213-233): HCSRCCCSTK[Gln223=]GNSQESSNTI